The following is an entry in ClinVar:

NM_032608.7(MYO18B):c.6726del (p.Lys2242fs)

Gene: MYO18B (myosin XVIIIB; plus strand). Cytogenetic location: 22q12.1.
Variant type: Deletion.
Coding change: c.6726del on transcript NM_032608.7 (MANE Select); coding-DNA position 6726, one base deleted (G; older notation c.6726delG).
Protein change: p.Lys2242fs; shifts the reading frame from lysine 2242.
Molecular consequence: frameshift variant.
Genome position (GRCh38, 1-based): chr22:26,026,700, G deleted. VCF-style (leftmost placement, unchanged base first): chr22-26026699-AG-A. GRCh37 (hg19) VCF-style: chr22-26422665-AG-A.
Other names: c.6729del, p.Lys2243fs (NM_001318245.2); short protein forms K2242fs, K2243fs.
Identifiers: ClinVar variation 3724264 (VCV003724264.2).

ClinVar aggregate classification (germline): Pathogenic (1 of 4 stars; one submission).

Submission:

Labcorp Genetics (formerly Invitae), Labcorp
Classification: Pathogenic. Last evaluated: 2024-11-04. Review status: criteria provided, single submitter. Criteria: Invitae Variant Classification Sherloc (09022015). Collection method: clinical testing. Allele origin: germline.
Comment: This sequence change creates a premature translational stop signal (p.Lys2242Asnfs*31) in the MYO18B gene. It is expected to result in an absent or disrupted protein product. Loss-of-function variants in MYO18B are known to be pathogenic (PMID: 25748484, 32184166, 32637634). This variant is not present in population databases (gnomAD no frequency). This variant has not been reported in the literature in individuals affected with MYO18B-related conditions. For these reasons, this variant has been classified as Pathogenic.

Literature cited by the submitters: PubMed 25748484; PubMed 32184166; PubMed 32637634.